The following is an entry in ClinVar:

NM_001001563.5(TIMM50):c.447G>A (p.Thr149=)

Gene: TIMM50 (translocase of inner mitochondrial membrane 50; plus strand). Cytogenetic location: 19q13.2.
Variant type: single nucleotide variant.
Coding change: c.447G>A on transcript NM_001001563.5 (MANE Select); coding-DNA position 447, G replaced by A.
Protein change: p.Thr149=; no amino-acid change (threonine 149 retained).
Molecular consequence: synonymous variant.
Genome position (GRCh38, 1-based): chr19:39,485,762, G>A. VCF-style: chr19-39485762-G-A. GRCh37 (hg19) VCF-style: chr19-39976402-G-A.
Other names: c.108G>A, p.Thr36= (NM_001329559.2).
Identifiers: ClinVar variation 1475910 (VCV001475910.32), dbSNP rs114264619, ClinGen allele CA9431829.

ClinVar aggregate classification (germline): Likely benign. Review status: criteria provided, multiple submitters, no conflicts (2 of 4 stars). 2 submissions from 2 submitters: Likely benign (2). Last evaluated 2025-12-29.

Allele frequency attached by ClinVar (database versions not stated): ESP Exome Variant Server 0.00023.
gnomAD v4.1: 265 of 1,613,952 alleles (0.016%); highest among the groups gnomAD compares: Non-Finnish European, 0.022%; no homozygotes.

Submissions (2):

Labcorp Genetics (formerly Invitae), Labcorp
Classification: Likely benign. Last evaluated: 2025-12-29. Review status: criteria provided, single submitter. Criteria: Invitae Variant Classification Sherloc (09022015). Collection method: clinical testing. Allele origin: germline.

CeGaT Center for Human Genetics Tuebingen
Classification: Likely benign. Last evaluated: 2022-05-01. Review status: criteria provided, single submitter. Criteria: CeGaT Center For Human Genetics Tuebingen Variant Classification Criteria Version 2. Collection method: clinical testing. Allele origin: germline. Affected: yes. Observed: 1 variant allele.
Comment: TIMM50: BP4, BP7